The following is an entry in ClinVar:

NM_004523.4(KIF11):c.2524C>A (p.Gln842Lys)

Gene: KIF11 (kinesin family member 11; plus strand). Cytogenetic location: 10q23.33.
Variant type: single nucleotide variant.
Coding change: c.2524C>A on transcript NM_004523.4 (MANE Select); coding-DNA position 2524, C replaced by A.
Protein change: p.Gln842Lys; replaces glutamine 842 with lysine.
Molecular consequence: missense variant.
Genome position (GRCh38, 1-based): chr10:92,645,619, C>A. VCF-style: chr10-92645619-C-A. GRCh37 (hg19) VCF-style: chr10-94405376-C-A.
Other names: short protein forms Q842K.
Identifiers: ClinVar variation 1001490 (VCV001001490.8), dbSNP rs1844910454, ClinGen allele CA377594433.
Genomic context (GRCh38, chr10:92,645,619, plus strand): 5'-CTGAACACAAGAACAGTTTATTTTTCTGAACAGTGGGTATCTTCCTTAAATGAAAGGGAA[C>A]AGGAACTTCACAACTTATTGGAGGTAATAACTTTGTAAGTGGAACTTACTTTGGGGAGAA-3'
Protein context (NP_004514.2, residues 832-852): QWVSSLNERE[Gln842Lys]ELHNLLEVVS

ClinVar aggregate classification (germline): Uncertain significance (1 of 4 stars; one submission).

Allele frequency attached by ClinVar (database versions not stated): TOPMed below 0.00001; gnomAD 0.00002.
gnomAD v4.1: 4 of 1,601,606 alleles (0.00025%); highest among the groups gnomAD compares: African/African-American, 0.0054%; no homozygotes.

Submission:

Labcorp Genetics (formerly Invitae), Labcorp
Classification: Uncertain significance. Last evaluated: 2022-03-19. Review status: criteria provided, single submitter. Criteria: Invitae Variant Classification Sherloc (09022015). Collection method: clinical testing. Allele origin: germline.
Comment: ClinVar contains an entry for this variant (Variation ID: 1001490). Algorithms developed to predict the effect of missense changes on protein structure and function (SIFT, PolyPhen-2, Align-GVGD) all suggest that this variant is likely to be tolerated. In summary, the available evidence is currently insufficient to determine the role of this variant in disease. Therefore, it has been classified as a Variant of Uncertain Significance. This variant has not been reported in the literature in individuals affected with KIF11-related conditions. This variant is not present in population databases (gnomAD no frequency). This sequence change replaces glutamine, which is neutral and polar, with lysine, which is basic and polar, at codon 842 of the KIF11 protein (p.Gln842Lys).